The following is an entry in ClinVar:

ClinVar aggregate classification (germline): Pathogenic (1 of 4 stars; one submission).

Conditions:
GLUT1 deficiency syndrome 1, autosomal recessive. Identifiers: MedGen C3149117.

Submission:

Labcorp Genetics (formerly Invitae), Labcorp
Classification: Pathogenic for GLUT1 deficiency syndrome 1, autosomal recessive. Last evaluated: 2019-08-22. Review status: criteria provided, single submitter. Criteria: Invitae Variant Classification Sherloc (09022015). Collection method: clinical testing. Allele origin: germline.
Comment: This sequence change creates a premature translational stop signal (p.Glu209Argfs*28) in the SLC2A1 gene. It is expected to result in an absent or disrupted protein product. This variant is not present in population databases (ExAC no frequency). This variant has not been reported in the literature in individuals with SLC2A1-related conditions. Loss-of-function variants in SLC2A1 are known to be pathogenic (PMID: 21832227, 26193382). For these reasons, this variant has been classified as Pathogenic.

Literature cited by the submitters: PubMed 21832227; PubMed 26193382.

NM_006516.4(SLC2A1):c.620_621insT (p.Glu209fs)

Gene: SLC2A1 (solute carrier family 2 member 1; minus strand). Cytogenetic location: 1p34.2.
Variant type: Insertion.
Coding change: c.620_621insT on transcript NM_006516.4 (MANE Select); coding-DNA positions 620 to 621, T inserted.
Protein change: p.Glu209fs; shifts the reading frame from glutamic acid 209.
Molecular consequence: frameshift variant.
Genome position: GRCh38 VCF-style: chr1-42929931-G-GA. GRCh37 (hg19) VCF-style: chr1-43395602-G-GA.
Other names: short protein forms E209fs.
Identifiers: ClinVar variation 936702 (VCV000936702.3), dbSNP rs1643470035, ClinGen allele CA1139656059.